The following is an entry in ClinVar:

NM_020778.5(ALPK3):c.4688G>A (p.Trp1563Ter)

Gene: ALPK3 (alpha kinase 3; plus strand). Cytogenetic location: 15q25.3.
Variant type: single nucleotide variant.
Coding change: c.4688G>A on transcript NM_020778.5 (MANE Select); coding-DNA position 4688, G replaced by A.
Protein change: p.Trp1563Ter; replaces tryptophan 1563 with a stop codon.
Molecular consequence: nonsense.
Genome position (GRCh38, 1-based): chr15:84,864,630, G>A. VCF-style: chr15-84864630-G-A. GRCh37 (hg19) VCF-style: chr15-85407861-G-A.
Other names: short protein forms W1765*, W1563*.
Identifiers: ClinVar variation 548940 (VCV000548940.4), dbSNP rs1555436118, ClinGen allele CA16021321.
Genomic context (GRCh38, chr15:84,864,630, plus strand): 5'-CATCTGGCAGCTCTGAGGCCATGCAGAAATGCCAGACCTTCCAACACTGGCTGTATCAGT[G>A]GACAAATGGCAGCTTCCTTGTCACAGACTTGGCAGGTACGAGGGTGTGAGGGTGCACGGG-3'

ClinVar aggregate classification (germline): Pathogenic. Review status: criteria provided, single submitter (1 of 4 stars). 2 submissions from 2 submitters: Pathogenic (1). 1 of the submissions does not count toward it. Last evaluated 2022-09-01.

Conditions:
Cardiomyopathy, familial hypertrophic 27. Identifiers: MedGen C4748014, MONDO:0054838, OMIM 618052.
Cardiovascular phenotype. Identifiers: MedGen CN230736.

Submissions (2):

Ambry Genetics
Classification: Pathogenic for Cardiovascular phenotype. Last evaluated: 2022-09-01. Review status: criteria provided, single submitter. Criteria: Ambry Variant Classification Scheme 2023. Collection method: clinical testing. Allele origin: germline.
Comment: The p.W1765* pathogenic mutation (also known as c.5294G>A), located in coding exon 12 of the ALPK3 gene, results from a G to A substitution at nucleotide position 5294. This changes the amino acid from a tryptophan to a stop codon within coding exon 12. This alteration has also been reported as homozygous in several family members with dilated cardiomyopathy and hypertrophic cardiomyopathy phenotypes (Al Senaidi K et al. Am J Med Genet A, 2019 07;179:1235-1240). This variant is considered to be rare based on population cohorts in the Genome Aggregation Database (gnomAD). This alteration is expected to result in loss of function by premature protein truncation or nonsense-mediated mRNA decay. As such, this alteration is interpreted as a disease-causing mutation.

OMIM
Classification: Pathogenic for CARDIOMYOPATHY, FAMILIAL HYPERTROPHIC, 27. Last evaluated: 2022-10-03. Review status: no assertion criteria provided. Collection method: literature only. Allele origin: germline. Not counted in ClinVar's aggregate classification.

Literature cited by the submitters: PubMed 26846950 (cited by Ambry Genetics and OMIM); PubMed 31074094 (cited by Ambry Genetics).